The following is an entry in ClinVar:

ClinVar aggregate classification (germline): Uncertain significance (1 of 4 stars; one submission).

Conditions:
Familial adenomatous polyposis 1 (FAP1). Also called: FAMILIAL ADENOMATOUS POLYPOSIS 1, ATTENUATED; POLYPOSIS, ADENOMATOUS INTESTINAL. Identifiers: MedGen C2713442, MONDO:0021056, OMIM 175100. Disease mechanism: loss of function.

Submission:

Labcorp Genetics (formerly Invitae), Labcorp
Classification: Uncertain significance for Familial adenomatous polyposis 1. Last evaluated: 2021-02-26. Review status: criteria provided, single submitter. Criteria: Invitae Variant Classification Sherloc (09022015). Collection method: clinical testing. Allele origin: germline.
Comment: This variant occurs in a non-coding region of the APC gene. It does not change the encoded amino acid sequence of the APC protein. The frequency data for this variant in the population databases is considered unreliable, as metrics indicate insufficient coverage at this position in the ExAC database. This variant has not been reported in the literature in individuals with APC-related conditions. Experimental studies and prediction algorithms are not available for this variant, and the functional significance of this non-coding change is currently unknown. In summary, the available evidence is currently insufficient to determine the role of this variant in disease. Therefore, it has been classified as a Variant of Uncertain Significance.

NM_001127511.3(APC):c.-4C>G

Gene: APC (APC regulator of Wnt signaling pathway; plus strand). Cytogenetic location: 5q22.2.
Variant type: single nucleotide variant.
Coding change: c.-4C>G on transcript NM_001127511.3; 4 bases upstream of the start codon, C replaced by G.
Molecular consequence: 5 prime UTR variant. On other transcripts: non-coding transcript variant (1), intron variant (5).
Genome position (GRCh38, 1-based): chr5:112,707,714, C>G. VCF-style: chr5-112707714-C-G. GRCh37 (hg19) VCF-style: chr5-112043411-C-G.
Other names: c.-187C>G (NM_001354895.2, NM_001407447.1, NM_001407452.1 and 3 more transcripts); c.-4C>G (NM_001354897.2, NM_001354902.2, NM_001407446.1); c.-1222C>G (NM_001407470.1, NM_001407472.1); c.-19+65C>G (NM_001407448.1, NM_001407450.1, NM_001407457.1 and 1 more transcripts); c.-43+65C>G (NM_001407453.1).
Identifiers: ClinVar variation 1014129 (VCV001014129.9), dbSNP rs1750600295, ClinGen allele CA1573442664.